The following is an entry in ClinVar:

ClinVar aggregate classification (germline): Uncertain significance (1 of 4 stars; one submission).

Conditions:
RYR1-related disorder. Also called: RYR1-related condition; RYR1-related disorders. Identifiers: MedGen CN239331.

Submission:

Labcorp Genetics (formerly Invitae), Labcorp
Classification: Uncertain significance for RYR1-related disorder. Last evaluated: 2025-10-05. Review status: criteria provided, single submitter. Criteria: Invitae Variant Classification Sherloc (09022015). Collection method: clinical testing. Allele origin: germline.
Comment: This variant, c.13307_13312dup, results in the insertion of 2 amino acid(s) of the RYR1 protein (p.Gly4436_Ala4437dup), but otherwise preserves the integrity of the reading frame. This variant is not present in population databases (gnomAD no frequency). This variant has not been reported in the literature in individuals affected with RYR1-related conditions. ClinVar contains an entry for this variant (Variation ID: 1377111). Experimental studies and prediction algorithms are not available or were not evaluated, and the functional significance of this variant is currently unknown. In summary, the available evidence is currently insufficient to determine the role of this variant in disease. Therefore, it has been classified as a Variant of Uncertain Significance.

NM_000540.3(RYR1):c.13307_13312dup (p.Gly4436_Ala4437dup)

Genes: RYR1 (ryanodine receptor 1; plus strand), LOC130064357 (ATAC-STARR-seq lymphoblastoid silent region 10577; plus strand). Cytogenetic location: 19q13.2.
Variant type: Duplication.
Coding change: c.13307_13312dup on transcript NM_000540.3 (MANE Select); coding-DNA positions 13307 to 13312, 6 bases duplicated (GGGCGG; older notation c.13307_13312dupGGGCGG).
Protein change: p.Gly4436_Ala4437dup.
Molecular consequence: inframe insertion.
Genome position (GRCh38, 1-based): chr19:38,565,641-38,565,646, GGGCGG duplicated; duplicating any 6 consecutive bases within chr19:38,565,640-38,565,646 gives the same sequence; the c. name uses the placement nearest the transcript's 3' end. VCF-style (leftmost placement, unchanged base first): chr19-38565639-C-CGGGGCG. GRCh37 (hg19) VCF-style: chr19-39056279-C-CGGGGCG.
Other names: c.13292_13297dup, p.Gly4431_Ala4432dup (NM_001042723.2).
Identifiers: ClinVar variation 1377111 (VCV001377111.6), dbSNP rs2145847208, ClinGen allele CA2573156347.